The following is an entry in ClinVar:

NM_002662.5(PLD1):c.2759T>C (p.Leu920Pro)

Gene: PLD1 (phospholipase D1; minus strand). Cytogenetic location: 3q26.31.
Variant type: single nucleotide variant.
Coding change: c.2759T>C on transcript NM_002662.5 (MANE Select); coding-DNA position 2759, T replaced by C.
Protein change: p.Leu920Pro; replaces leucine 920 with proline.
Molecular consequence: missense variant.
Genome position (GRCh38, 1-based): chr3:171,612,402, A>G on the plus strand (T>C on the coding strand, the complement: PLD1 is on the minus strand). VCF-style: chr3-171612402-A-G. GRCh37 (hg19) VCF-style: chr3-171330192-A-G.
Other names: c.2645T>C, p.Leu882Pro (NM_001130081.3); short protein forms L882P, L920P.
Identifiers: ClinVar variation 5008786 (VCV005008786.1).

ClinVar aggregate classification (germline): Uncertain significance (1 of 4 stars; one submission).

gnomAD v4.1: 4 of 1,614,146 alleles (0.00025%); highest among the groups gnomAD compares: Non-Finnish European, 0.00034%; no homozygotes.

Submission:

GeneDx
Classification: Uncertain significance. Last evaluated: 2026-03-07. Review status: criteria provided, single submitter. Criteria: GeneDx Variant Classification Process June 2021. Collection method: clinical testing. Allele origin: germline.
Comment: Not observed at significant frequency in large population cohorts (gnomAD); In silico analysis supports that this missense variant has a deleterious effect on protein structure/function; Has not been previously published as pathogenic or benign to our knowledge